The following is an entry in ClinVar:

NM_004168.4(SDHA):c.684T>C (p.Asn228=)

Gene: SDHA (succinate dehydrogenase complex flavoprotein subunit A; plus strand). Cytogenetic location: 5p15.33.
Variant type: single nucleotide variant.
Coding change: c.684T>C on transcript NM_004168.4 (MANE Select); coding-DNA position 684, T replaced by C.
Protein change: p.Asn228=; no amino-acid change (asparagine 228 retained).
Molecular consequence: synonymous variant.
Genome position (GRCh38, 1-based): chr5:228,247, T>C. VCF-style: chr5-228247-T-C. GRCh37 (hg19) VCF-style: chr5-228362-T-C.
Other names: p.Asn228=; c.540T>C, p.Asn180= (NM_001294332.2); c.684T>C, p.Asn228= (NM_001330758.2).
Identifiers: ClinVar variation 130282 (VCV000130282.37), dbSNP rs2115272, ClinGen allele CA155158.

ClinVar aggregate classification (germline): Benign. Review status: criteria provided, multiple submitters, no conflicts (2 of 4 stars). 18 submissions from 16 submitters: Benign (15). 3 of the submissions do not count toward it. Last evaluated 2026-02-04.

Conditions:
Hereditary pheochromocytoma and paraganglioma. Also called: Hereditary Paraganglioma-Pheochromocytoma Syndromes; Hereditary paragangliomas and pheochromocytomas; Hereditary pheochromocytoma-paraganglioma. Identifiers: Orphanet 29072, MedGen C4274332, MONDO:0017366.
Pheochromocytoma/paraganglioma syndrome 5. Also called: SDHA-Related Hereditary Paraganglioma-Pheochromocytoma Syndrome; Paragangliomas 5. Identifiers: Orphanet 29072, MedGen C3279992, MONDO:0013602, OMIM 614165.
Leigh syndrome (NULS). Also called: Leigh Disease; Subacute necrotizing encephalopathy; Necrotizing encephalopathy infantile subacute of Leigh; Leigh's necrotizing encephalopathy; Leigh's disease; Leigh Syndrome (mtDNA deletion). Identifiers: Orphanet 506, MedGen C2931891, MONDO:0009723, OMIM 256000.
Mitochondrial complex II deficiency, nuclear type 1. Also called: SUCCINATE CoQ REDUCTASE DEFICIENCY. Identifiers: Orphanet 3208, MedGen C5700310, MONDO:0100294, OMIM 252011.
Hereditary cancer-predisposing syndrome. Also called: Tumor predisposition; Hereditary neoplastic syndrome; Neoplastic Syndromes, Hereditary; Hereditary Cancer Syndrome. Identifiers: Orphanet 140162, MedGen C0027672, MeSH D009386, MONDO:0015356.

Allele frequency attached by ClinVar (database versions not stated): gnomAD exomes 0.13603 and 0.15237; ExAC 0.15652; gnomAD 0.24016 and 0.25174; 1000 Genomes Project 0.24740; 1000 Genomes Project 30x 0.26093; TOPMed 0.26721; ESP Exome Variant Server 0.27164.
gnomAD v4.1: 236,522 of 1,613,360 alleles (15%); highest among the groups gnomAD compares: African/African-American, 53%; 24,105 homozygotes.

Submissions (18):

Labcorp Genetics (formerly Invitae), Labcorp
Classification: Benign for Pheochromocytoma/paraganglioma syndrome 5; Mitochondrial complex II deficiency, nuclear type 1. Last evaluated: 2026-02-04. Review status: criteria provided, single submitter. Criteria: Invitae Variant Classification Sherloc (09022015). Collection method: clinical testing. Allele origin: germline.

Myriad Genetics, Inc.
Classification: Benign for Pheochromocytoma/paraganglioma syndrome 5. Last evaluated: 2025-03-03. Review status: criteria provided, single submitter. Criteria: Myriad Autosomal Dominant, Autosomal Recessive and X-Linked Classification Criteria (2023). Collection method: clinical testing. Allele origin: unknown.
Comment: This variant is considered benign. This variant is a silent/synonymous amino acid change and it is not expected to impact splicing.

Hereditary Cancer Laboratory, Hospital Universitario 12 de Octubre
Classification: Benign for Hereditary cancer-predisposing syndrome. Last evaluated: 2025-01-08. Review status: criteria provided, single submitter. Criteria: ACMG Guidelines, 2015. Collection method: clinical testing. Allele origin: germline.
Comment: BA1+BP6+BP7

Blueprint Genetics
Classification: Benign. Last evaluated: 2024-11-26. Review status: criteria provided, single submitter. Criteria: ACMG Guidelines, 2015. Collection method: clinical testing. Allele origin: germline.

KCCC/NGS Laboratory, Kuwait Cancer Control Center
Classification: Benign for Pheochromocytoma/paraganglioma syndrome 5. Last evaluated: 2023-07-07. Review status: criteria provided, single submitter. Criteria: ACMG Guidelines, 2015. Collection method: clinical testing. Allele origin: germline. Affected: yes.

Mayo Clinic Laboratories, Mayo Clinic
Classification: Benign. Last evaluated: 2022-05-01. Review status: criteria provided, single submitter. Criteria: ACMG Guidelines, 2015. Collection method: clinical testing. Allele origin: germline. Observed: 503 variant alleles.

ARUP Laboratories, Molecular Genetics and Genomics, ARUP Laboratories
Classification: Benign. Last evaluated: 2020-01-03. Review status: criteria provided, single submitter. Criteria: ARUP Molecular Germline Variant Investigation Process. Collection method: clinical testing. Allele origin: germline.

Sema4
Classification: Benign for Hereditary cancer-predisposing syndrome. Last evaluated: 2019-12-09. Review status: criteria provided, single submitter. Criteria: Sema4 Curation Guidelines. Collection method: curation. Allele origin: germline.

Illumina Laboratory Services, Illumina
Classification: Benign for Mitochondrial complex II deficiency, nuclear type 1. Last evaluated: 2018-01-13. Review status: criteria provided, single submitter. Criteria: ICSL Variant Classification Criteria 13 December 2019. Collection method: clinical testing. Allele origin: germline.
Comment: This variant was observed in the ICSL laboratory as part of a predisposition screen in an ostensibly healthy population. It had not been previously curated by ICSL or reported in the Human Gene Mutation Database (HGMD: prior to June 1st, 2018), and was therefore a candidate for classification through an automated scoring system. Utilizing variant allele frequency, disease prevalence and penetrance estimates, and inheritance mode, an automated score was calculated to assess if this variant is too frequent to cause the disease. Based on the score and internal cut-off values, a variant classified as benign is not then subjected to further curation. The score for this variant resulted in a classification of benign for this disease.

Illumina Laboratory Services, Illumina
Classification: Benign for Leigh syndrome. Last evaluated: 2018-01-13. Review status: criteria provided, single submitter. Criteria: ICSL Variant Classification Criteria 13 December 2019. Collection method: clinical testing. Allele origin: germline.
Comment: the same text as in the submission from Illumina Laboratory Services, Illumina above.

Illumina Laboratory Services, Illumina
Classification: Benign for Hereditary Paraganglioma-Pheochromocytoma Syndromes. Last evaluated: 2018-01-13. Review status: criteria provided, single submitter. Criteria: ICSL Variant Classification Criteria 13 December 2019. Collection method: clinical testing. Allele origin: germline.
Comment: the same text as in the submission from Illumina Laboratory Services, Illumina above.

GeneDx
Classification: Benign. Last evaluated: 2015-03-03. Review status: criteria provided, single submitter. Criteria: GeneDx Variant Classification Process June 2021. Collection method: clinical testing. Allele origin: germline. Affected: yes.

Ambry Genetics
Classification: Benign for Hereditary cancer-predisposing syndrome. Last evaluated: 2014-11-18. Review status: criteria provided, single submitter. Criteria: Ambry Variant Classification Scheme 2023. Collection method: clinical testing. Allele origin: germline.

Breakthrough Genomics
Classification: Benign. Review status: criteria provided, single submitter. Criteria: ACMG Guidelines, 2015. Collection method: not provided. Allele origin: germline. Inheritance: Autosomal recessive inheritance. Affected: yes.

PreventionGenetics, part of Exact Sciences
Classification: Benign. Review status: criteria provided, single submitter. Criteria: ACMG Guidelines, 2015. Collection method: clinical testing. Allele origin: germline.

Genetic Services Laboratory, University of Chicago
Classification: Likely benign for AllHighlyPenetrant. Review status: no assertion criteria provided. Collection method: clinical testing. Allele origin: germline. Not counted in ClinVar's aggregate classification.
Comment: Likely benign based on allele frequency in 1000 Genomes Project or ESP global frequency and its presence in a patient with a rare or unrelated disease phenotype. NOT Sanger confirmed.

Genome Diagnostics Laboratory, University Medical Center Utrecht
Classification: Benign. Review status: no assertion criteria provided. Collection method: clinical testing. Allele origin: germline. Affected: yes. Study: VKGL Data-share Consensus. Not counted in ClinVar's aggregate classification.

Joint Genome Diagnostic Labs from Nijmegen and Maastricht, Radboudumc and MUMC+
Classification: Benign. Review status: no assertion criteria provided. Collection method: clinical testing. Allele origin: germline. Affected: yes. Study: VKGL Data-share Consensus. Not counted in ClinVar's aggregate classification.